The following is an entry in ClinVar:

ClinVar aggregate classification (germline): Uncertain significance (1 of 4 stars; one submission).

Conditions:
Brugada syndrome 8 (BRGDA8). Identifiers: Orphanet 130, MedGen C2751083, MONDO:0013148, OMIM 613123.

gnomAD v4.1: 2 of 1,422,860 alleles (0.00014%); highest among the groups gnomAD compares: Admixed American, 0.003%; no homozygotes.

Submission:

Labcorp Genetics (formerly Invitae), Labcorp
Classification: Uncertain significance for Brugada syndrome 8. Last evaluated: 2022-11-14. Review status: criteria provided, single submitter. Criteria: Invitae Variant Classification Sherloc (09022015). Collection method: clinical testing. Allele origin: germline.
Comment: In summary, the available evidence is currently insufficient to determine the role of this variant in disease. Therefore, it has been classified as a Variant of Uncertain Significance. Advanced modeling of protein sequence and biophysical properties (such as structural, functional, and spatial information, amino acid conservation, physicochemical variation, residue mobility, and thermodynamic stability) performed at Invitae indicates that this missense variant is not expected to disrupt HCN4 protein function. This variant has not been reported in the literature in individuals affected with HCN4-related conditions. This variant is not present in population databases (gnomAD no frequency). This sequence change replaces arginine, which is basic and polar, with proline, which is neutral and non-polar, at codon 82 of the HCN4 protein (p.Arg82Pro).

NM_005477.3(HCN4):c.245G>C (p.Arg82Pro)

Gene: HCN4 (hyperpolarization activated cyclic nucleotide gated potassium channel 4; minus strand). Cytogenetic location: 15q24.1.
Variant type: single nucleotide variant.
Coding change: c.245G>C on transcript NM_005477.3 (MANE Select); coding-DNA position 245, G replaced by C.
Protein change: p.Arg82Pro; replaces arginine 82 with proline.
Molecular consequence: missense variant.
Genome position (GRCh38, 1-based): chr15:73,368,026, C>G on the plus strand (G>C on the coding strand, the complement: HCN4 is on the minus strand). VCF-style: chr15-73368026-C-G. GRCh37 (hg19) VCF-style: chr15-73660367-C-G.
Other names: short protein forms R82P.
Identifiers: ClinVar variation 2806002 (VCV002806002.3), dbSNP rs1170776732, ClinGen allele CA393098607.
Genomic context (GRCh38, chr15:73,368,026, plus strand): 5'-GAGGCCAGGCTCCCGCGGAAGCGCCTGCAGTCGCCGTTCGTGCTGGACTTGCCCGCGCCG[C>G]GGGCCGGCCCTTCGCTGTCCGCTGCCCCGAGGGCCGAGCTCCGGGACTCCGTGCCACCCG-3'
Protein context (NP_005468.1, residues 72-92): LGAADSEGPA[Arg82Pro]GAGKSSTNGD